The following is an entry in ClinVar:

NM_000246.4(CIITA):c.938-2A>G

Gene: CIITA (class II major histocompatibility complex transactivator; plus strand). Cytogenetic location: 16p13.13.
Variant type: single nucleotide variant.
Coding change: c.938-2A>G on transcript NM_000246.4 (MANE Select); the canonical splice acceptor site of the intron before coding-DNA position 938, A replaced by G.
Molecular consequence: splice acceptor variant.
Genome position (GRCh38, 1-based): chr16:10,904,742, A>G. VCF-style: chr16-10904742-A-G. GRCh37 (hg19) VCF-style: chr16-10998599-A-G.
Other names: c.938-2A>G (NM_001379333.1); c.791-2A>G (NM_001379331.1, NM_001286403.2); c.869-2A>G (NM_001379334.1); c.941-2A>G (NM_001286402.1, NM_001379332.1); c.794-2A>G (NM_001379330.1).
Identifiers: ClinVar variation 1068068 (VCV001068068.7), dbSNP rs2144645392, ClinGen allele CA394729424.

ClinVar aggregate classification (germline): Likely pathogenic (1 of 4 stars; one submission).

Conditions:
MHC class II deficiency. Also called: BLS, TYPE II; Bare lymphocyte syndrome 2. Identifiers: Orphanet 572, MedGen C5447452, MONDO:0008855.

Allele frequency attached by ClinVar (database versions not stated): gnomAD exomes below 0.00001.
gnomAD v4.1: 1 of 1,614,110 alleles (0.000062%); highest among the groups gnomAD compares: Non-Finnish European, 0.000085%; no homozygotes.

Submission:

Labcorp Genetics (formerly Invitae), Labcorp
Classification: Likely pathogenic for MHC class II deficiency. Last evaluated: 2020-03-08. Review status: criteria provided, single submitter. Criteria: Invitae Variant Classification Sherloc (09022015). Collection method: clinical testing. Allele origin: germline.
Comment: In summary, the currently available evidence indicates that the variant is pathogenic, but additional data are needed to prove that conclusively. Therefore, this variant has been classified as Likely Pathogenic. Donor and acceptor splice site variants typically lead to a loss of protein function (PMID: 16199547), and loss-of-function variants in CIITA are known to be pathogenic (PMID: 8402893, 9099848, 26271388). Algorithms developed to predict the effect of sequence changes on RNA splicing suggest that this variant may disrupt the consensus splice site, but this prediction has not been confirmed by published transcriptional studies. This variant has not been reported in the literature in individuals with CIITA-related conditions. This variant is not present in population databases (ExAC no frequency). This sequence change affects an acceptor splice site in intron 9 of the CIITA gene. It is expected to disrupt RNA splicing and likely results in an absent or disrupted protein product.

Literature cited by the submitters: PubMed 16199547; PubMed 8402893; PubMed 9099848; PubMed 26271388.